The following is an entry in ClinVar:

NM_001370259.2(MEN1):c.52G>T (p.Asp18Tyr)

Gene: MEN1 (menin 1; minus strand). Cytogenetic location: 11q13.1.
Variant type: single nucleotide variant.
Coding change: c.52G>T on transcript NM_001370259.2 (MANE Select); coding-DNA position 52, G replaced by T.
Protein change: p.Asp18Tyr; replaces aspartic acid 18 with tyrosine.
Molecular consequence: missense variant.
Genome position (GRCh38, 1-based): chr11:64,810,058, C>A on the plus strand (G>T on the coding strand, the complement: MEN1 is on the minus strand). VCF-style: chr11-64810058-C-A. GRCh37 (hg19) VCF-style: chr11-64577530-C-A.
Other names: c.52G>T, p.Asp18Tyr (NM_000244.4, NM_001370251.2, NM_001370260.2 and 9 more transcripts); c.52G>T (NM_130799.2); short protein forms D18Y.
Identifiers: ClinVar variation 1413524 (VCV001413524.8), dbSNP rs2136195598, ClinGen allele CA381188153.

ClinVar aggregate classification (germline): Uncertain significance. Review status: criteria provided, multiple submitters, no conflicts (2 of 4 stars). 4 submissions from 4 submitters: Uncertain significance (4). Last evaluated 2025-11-11.

Conditions:
Hereditary cancer-predisposing syndrome. Also called: Hereditary neoplastic syndrome; Neoplastic Syndromes, Hereditary; Hereditary Cancer Syndrome; Tumor predisposition. Identifiers: Orphanet 140162, MedGen C0027672, MeSH D009386, MONDO:0015356.
Multiple endocrine neoplasia, type 1 (MEN1). Also called: MEN I; WERMER SYNDROME; Endocrine adenomatosis multiple; MEN 1; MEA I. Identifiers: Orphanet 652, MedGen C0025267, MeSH D018761, MONDO:0007540, OMIM 131100.

Allele frequency attached by ClinVar (database versions not stated): gnomAD exomes below 0.00001.

Submissions (4):

Color Diagnostics, LLC DBA Color Health
Classification: Uncertain significance for Multiple endocrine neoplasia, type 1. Last evaluated: 2025-11-11. Review status: criteria provided, single submitter. Criteria: ACMG Guidelines, 2015. Collection method: clinical testing. Allele origin: germline.
Comment: This missense variant replaces aspartic acid with tyrosine at codon 18 of the MEN1 protein. Computational prediction suggests that this variant may have deleterious impact on protein structure and function. To our knowledge, functional studies have not been reported for this variant. This variant has not been reported in individuals affected with MEN1-related disorders in the literature. This variant has been identified in 1/1603682 chromosomes in the general population by the Genome Aggregation Database (gnomAD). The available evidence is insufficient to determine the role of this variant in disease conclusively. Therefore, this variant is classified as a Variant of Uncertain Significance.

Ambry Genetics
Classification: Uncertain significance for Hereditary cancer-predisposing syndrome. Last evaluated: 2025-07-07. Review status: criteria provided, single submitter. Criteria: Ambry Variant Classification Scheme 2023. Collection method: clinical testing. Allele origin: germline.
Comment: The p.D18Y variant (also known as c.52G>T), located in coding exon 1 of the MEN1 gene, results from a G to T substitution at nucleotide position 52. The aspartic acid at codon 18 is replaced by tyrosine, an amino acid with highly dissimilar properties. This amino acid position is well conserved in available vertebrate species. In addition, this alteration is predicted to be deleterious by in silico analysis. Based on the available evidence, the clinical significance of this variant remains unclear.

Labcorp Genetics (formerly Invitae), Labcorp
Classification: Uncertain significance for Multiple endocrine neoplasia, type 1. Last evaluated: 2025-01-08. Review status: criteria provided, single submitter. Criteria: Invitae Variant Classification Sherloc (09022015). Collection method: clinical testing. Allele origin: germline.
Comment: This sequence change replaces aspartic acid, which is acidic and polar, with tyrosine, which is neutral and polar, at codon 18 of the MEN1 protein (p.Asp18Tyr). This variant is not present in population databases (gnomAD no frequency). This variant has not been reported in the literature in individuals affected with MEN1-related conditions. ClinVar contains an entry for this variant (Variation ID: 1413524). Invitae Evidence Modeling of protein sequence and biophysical properties (such as structural, functional, and spatial information, amino acid conservation, physicochemical variation, residue mobility, and thermodynamic stability) has been performed for this missense variant. However, the output from this modeling did not meet the statistical confidence thresholds required to predict the impact of this variant on MEN1 protein function. In summary, the available evidence is currently insufficient to determine the role of this variant in disease. Therefore, it has been classified as a Variant of Uncertain Significance.

All of Us Research Program, National Institutes of Health
Classification: Uncertain significance for Multiple endocrine neoplasia, type 1. Last evaluated: 2023-06-08. Review status: criteria provided, single submitter. Criteria: ACMG Guidelines, 2015. Collection method: clinical testing. Allele origin: germline. Inheritance: Autosomal dominant inheritance. Observed: 1 variant allele, 1 heterozygote.
Comment: This missense variant replaces aspartic acid with tyrosine at codon 18 of the MEN1 protein. Computational prediction suggests that this variant may have deleterious impact on protein structure and function (internally defined REVEL score threshold >= 0.7, PMID: 27666373). To our knowledge, functional studies have not been reported for this variant. This variant has not been reported in individuals affected with MEN1-related disorders in the literature. This variant has not been identified in the general population by the Genome Aggregation Database (gnomAD). The available evidence is insufficient to determine the role of this variant in disease conclusively. Therefore, this variant is classified as a Variant of Uncertain Significance.

This study involves interpretation of variants in research participants for the purpose of population health screening. Participant phenotype was not available at the time of variant classification. Additional details can be found in publication PMID: 35346344, PMCID: PMC8962531